The following is an entry in ClinVar:

ClinVar aggregate classification (germline): Uncertain significance. Review status: criteria provided, multiple submitters, no conflicts (2 of 4 stars). 2 submissions from 2 submitters: Uncertain significance (2). Last evaluated 2023-05-22.

Conditions:
Familial cancer of breast. Also called: BREAST CANCER, FAMILIAL; hereditary breast carcinoma; Hereditary breast cancer. Identifiers: Orphanet 227535, MedGen C0346153, MONDO:0016419, OMIM 114480. Disease mechanism: loss of function.
Fanconi anemia complementation group J. Also called: BRIP1-Related Fanconi Anemia. Identifiers: Orphanet 84, MedGen C1836860, MONDO:0012187, OMIM 609054.

Submissions (2):

Labcorp Genetics (formerly Invitae), Labcorp
Classification: Uncertain significance for Familial cancer of breast; Fanconi anemia complementation group J. Last evaluated: 2023-05-22. Review status: criteria provided, single submitter. Criteria: Invitae Variant Classification Sherloc (09022015). Collection method: clinical testing. Allele origin: germline.
Comment: This sequence change replaces histidine, which is basic and polar, with arginine, which is basic and polar, at codon 1200 of the BRIP1 protein (p.His1200Arg). This variant is not present in population databases (gnomAD no frequency). This variant has not been reported in the literature in individuals affected with BRIP1-related conditions. ClinVar contains an entry for this variant (Variation ID: 182338). Algorithms developed to predict the effect of missense changes on protein structure and function output the following: SIFT: "Not Available"; PolyPhen-2: "Benign"; Align-GVGD: "Not Available". The arginine amino acid residue is found in multiple mammalian species, which suggests that this missense change does not adversely affect protein function. In summary, the available evidence is currently insufficient to determine the role of this variant in disease. Therefore, it has been classified as a Variant of Uncertain Significance.

GeneDx
Classification: Uncertain significance. Last evaluated: 2014-05-27. Review status: criteria provided, single submitter. Criteria: GeneDx Variant Classification (06012015). Collection method: clinical testing. Allele origin: germline. Affected: yes.
Comment: This variant is denoted BRIP1 c.3599A>G at the cDNA level, p.His1200Arg (H1200R) at the protein level, and results in the change of a Histidine to an Arginine (CAT>CGT). This variant has not, to our knowledge, been published in the literature as pathogenic or benign. BRIP1 His1200Arg was not observed in approximately 6,500 individuals of European and African American ancestry in the NHLBI Exome Sequencing Project, indicating it is not a common benign variant in these populations. Since Histidine and Arginine share similar properties, this is considered a conservative amino acid substitution. BRIP1 His1200Arg occurs at a position that is highly variable across species and is not located in a known functional domain. In addition, in silico analyses predict that this variant is unlikely to alter protein structure or function. Based on currently available information, it is unclear whether BRIP1 His1200Arg is pathogenic or benign. We consider it to be a variant of uncertain significance.

NM_032043.3(BRIP1):c.3599A>G (p.His1200Arg)

Gene: BRIP1 (BRCA1 interacting DNA helicase 1; minus strand). Cytogenetic location: 17q23.2.
Variant type: single nucleotide variant.
Coding change: c.3599A>G on transcript NM_032043.3 (MANE Select); coding-DNA position 3599, A replaced by G.
Protein change: p.His1200Arg; replaces histidine 1200 with arginine.
Molecular consequence: missense variant.
Genome position (GRCh38, 1-based): chr17:61,683,447, T>C on the plus strand (A>G on the coding strand, the complement: BRIP1 is on the minus strand). VCF-style: chr17-61683447-T-C. GRCh37 (hg19) VCF-style: chr17-59760808-T-C.
Other names: p.H1200R:CAT>CGT; short protein forms H1200R.
Identifiers: ClinVar variation 182338 (VCV000182338.12), dbSNP rs730881628, ClinGen allele CA298850.